The following is an entry in ClinVar:

NM_000282.4(PCCA):c.592G>A (p.Val198Ile)

Gene: PCCA (propionyl-CoA carboxylase subunit alpha; plus strand). Cytogenetic location: 13q32.3.
Variant type: single nucleotide variant.
Coding change: c.592G>A on transcript NM_000282.4 (MANE Select); coding-DNA position 592, G replaced by A.
Protein change: p.Val198Ile; replaces valine 198 with isoleucine.
Molecular consequence: missense variant. On other transcripts: 5 prime UTR variant (3), non-coding transcript variant (5).
Genome position (GRCh38, 1-based): chr13:100,209,455, G>A. VCF-style: chr13-100209455-G-A. GRCh37 (hg19) VCF-style: chr13-100861709-G-A.
Other names: c.514G>A, p.Val172Ile (NM_001127692.3, NM_001352607.2, NM_001352608.2); c.592G>A, p.Val198Ile (NM_001178004.2, NM_001352605.2, NM_001352606.2 and 1 more transcripts); c.-275G>A (NM_001352610.2, NM_001352611.2, NM_001352612.2); short protein forms V172I, V198I.
Identifiers: ClinVar variation 2148754 (VCV002148754.4), dbSNP rs2059071476, ClinGen allele CA388693519.

ClinVar aggregate classification (germline): Uncertain significance (1 of 4 stars; one submission).

Conditions:
Propionic acidemia (PROP). Also called: GLYCINEMIA, KETOTIC; HYPERGLYCINEMIA WITH KETOACIDOSIS AND LEUKOPENIA; KETOTIC HYPERGLYCINEMIA. Identifiers: Orphanet 35, MedGen C0268579, MONDO:0011628, OMIM 606054, HP:0003571.

Allele frequency attached by ClinVar (database versions not stated): gnomAD exomes below 0.00001.
gnomAD v4.1: 5 of 1,612,750 alleles (0.00031%); highest among the groups gnomAD compares: Non-Finnish European, 0.00042%; no homozygotes.

Submission:

Labcorp Genetics (formerly Invitae), Labcorp
Classification: Uncertain significance for Propionic acidemia. Last evaluated: 2024-06-14. Review status: criteria provided, single submitter. Criteria: Invitae Variant Classification Sherloc (09022015). Collection method: clinical testing. Allele origin: germline.
Comment: This sequence change replaces valine, which is neutral and non-polar, with isoleucine, which is neutral and non-polar, at codon 198 of the PCCA protein (p.Val198Ile). This variant is not present in population databases (gnomAD no frequency). This variant has not been reported in the literature in individuals affected with PCCA-related conditions. ClinVar contains an entry for this variant (Variation ID: 2148754). Advanced modeling of protein sequence and biophysical properties (such as structural, functional, and spatial information, amino acid conservation, physicochemical variation, residue mobility, and thermodynamic stability) has been performed at Invitae for this missense variant, however the output from this modeling did not meet the statistical confidence thresholds required to predict the impact of this variant on PCCA protein function. In summary, the available evidence is currently insufficient to determine the role of this variant in disease. Therefore, it has been classified as a Variant of Uncertain Significance.